The following is an entry in ClinVar:

ClinVar aggregate classification (germline): Pathogenic (1 of 4 stars; one submission).

Submission:

GeneDx
Classification: Pathogenic. Last evaluated: 2016-03-22. Review status: criteria provided, single submitter. Criteria: GeneDx Variant Classification (06012015). Collection method: clinical testing. Allele origin: germline. Affected: yes.
Comment: The r.(215 a>c) variant has not been published as a pathogenic variant, nor has it been reported as a benign variant to our knowledge. However, two other nucleotide substitutions, r.(215 a>g) and r.(215 a>t), at this position have been reported in association with Cartilage Hair Hypoplasia, which is a disease with variable expressivity that can present with defective cellular immunity presenting as a SCID phenotype (Ridanpaa et al., 2002; Sabarinathan et al., 2013). The position r.215 occurs in the stem structure of the P2 domain of the RNA molecule, where the correct nucleotide must be present for proper pairing. Therefore, this variant is pathogenic.

NR_003051.4(RMRP):n.216A>C

Gene: RMRP (RNA component of mitochondrial RNA processing endoribonuclease; minus strand). Cytogenetic location: 9p13.3.
Variant type: single nucleotide variant.
Genome position: GRCh38 VCF-style: chr9-35657804-T-G. GRCh37 (hg19) VCF-style: chr9-35657801-T-G.
Identifiers: ClinVar variation 279884 (VCV000279884.1), dbSNP rs886041234, ClinGen allele CA10603132.